The following is an entry in ClinVar:

NM_002528.7(NTHL1):c.107C>A (p.Ala36Asp)

Gene: NTHL1 (nth like DNA glycosylase 1; minus strand). Cytogenetic location: 16p13.3.
Variant type: single nucleotide variant.
Coding change: c.107C>A on transcript NM_002528.7 (MANE Select); coding-DNA position 107, C replaced by A.
Protein change: p.Ala36Asp; replaces alanine 36 with aspartic acid.
Molecular consequence: missense variant. On other transcripts: 5 prime UTR variant (1).
Genome position (GRCh38, 1-based): chr16:2,047,717, G>T on the plus strand (C>A on the coding strand, the complement: NTHL1 is on the minus strand). VCF-style: chr16-2047717-G-T. GRCh37 (hg19) VCF-style: chr16-2097718-G-T.
Other names: c.107C>A, p.Ala36Asp (NM_001318193.2); c.-72C>A (NM_001318194.2); short protein forms A36D.
Identifiers: ClinVar variation 1390365 (VCV001390365.6), dbSNP rs772384035, ClinGen allele CA394298249.

ClinVar aggregate classification (germline): Uncertain significance (1 of 4 stars; one submission).

gnomAD v4.1: 1 of 1,581,858 alleles (0.000063%); highest among the groups gnomAD compares: Non-Finnish European, 0.000085%; no homozygotes.

Submission:

Labcorp Genetics (formerly Invitae), Labcorp
Classification: Uncertain significance. Last evaluated: 2021-10-31. Review status: criteria provided, single submitter. Criteria: Invitae Variant Classification Sherloc (09022015). Collection method: clinical testing. Allele origin: germline.
Comment: This sequence change replaces alanine, which is neutral and non-polar, with aspartic acid, which is acidic and polar, at codon 44 of the NTHL1 protein (p.Ala44Asp). This variant is not present in population databases (gnomAD no frequency). This variant has not been reported in the literature in individuals affected with NTHL1-related conditions. Algorithms developed to predict the effect of missense changes on protein structure and function are either unavailable or do not agree on the potential impact of this missense change (SIFT: "Not Available"; PolyPhen-2: "Benign"; Align-GVGD: "Not Available"). In summary, the available evidence is currently insufficient to determine the role of this variant in disease. Therefore, it has been classified as a Variant of Uncertain Significance.